The following is an entry in ClinVar:

NM_001482.3(GATM):c.133T>G (p.Ser45Ala)

Gene: GATM (glycine amidinotransferase; minus strand). Cytogenetic location: 15q21.1.
Variant type: single nucleotide variant.
Coding change: c.133T>G on transcript NM_001482.3 (MANE Select); coding-DNA position 133, T replaced by G.
Protein change: p.Ser45Ala; replaces serine 45 with alanine.
Molecular consequence: missense variant. On other transcripts: 5 prime UTR variant (1).
Genome position (GRCh38, 1-based): chr15:45,376,756, A>C on the plus strand (T>G on the coding strand, the complement: GATM is on the minus strand). VCF-style: chr15-45376756-A-C. GRCh37 (hg19) VCF-style: chr15-45668954-A-C.
Other names: c.-255T>G (NM_001321015.2); short protein forms S45A.
Identifiers: ClinVar variation 2758585 (VCV002758585.3), dbSNP rs2542005825, ClinGen allele CA392265648.

ClinVar aggregate classification (germline): Uncertain significance (1 of 4 stars; one submission).

Conditions:
Arginine:glycine amidinotransferase deficiency (CCDS3). Also called: L-Arginine:Glycine Amidinotransferase (AGAT) Deficiency; AGAT deficiency; L-Arginine:Glycine Amidinotransferase Deficiency; Creatine deficiency syndrome due to AGAT deficiency; GATM deficiency; Cerebral creatine deficiency syndrome 3. Identifiers: Orphanet 35704, MedGen C2675179, MONDO:0012996, OMIM 612718.

Submission:

Labcorp Genetics (formerly Invitae), Labcorp
Classification: Uncertain significance for Arginine:glycine amidinotransferase deficiency. Last evaluated: 2023-09-25. Review status: criteria provided, single submitter. Criteria: Invitae Variant Classification Sherloc (09022015). Collection method: clinical testing. Allele origin: germline.
Comment: This sequence change replaces serine, which is neutral and polar, with alanine, which is neutral and non-polar, at codon 45 of the GATM protein (p.Ser45Ala). This variant is not present in population databases (gnomAD no frequency). This variant has not been reported in the literature in individuals affected with GATM-related conditions. An algorithm developed to predict the effect of missense changes on protein structure and function (PolyPhen-2) suggests that this variant is likely to be tolerated. In summary, the available evidence is currently insufficient to determine the role of this variant in disease. Therefore, it has been classified as a Variant of Uncertain Significance.